The following is an entry in ClinVar:

ClinVar aggregate classification (germline): Likely benign (1 of 4 stars; one submission).

gnomAD v4.1: 2,057 of 1,614,140 alleles (0.13%); highest among the groups gnomAD compares: Middle Eastern, 0.28%; 2 homozygotes.

Submission:

CeGaT Center for Human Genetics Tuebingen
Classification: Likely benign. Last evaluated: 2024-10-01. Review status: criteria provided, single submitter. Criteria: CeGaT Center For Human Genetics Tuebingen Variant Classification Criteria Version 2. Collection method: clinical testing. Allele origin: germline. Affected: yes. Observed: 1 variant allele.
Comment: DNER: BP4, BP7

NM_139072.4(DNER):c.435C>T (p.Thr145=)

Gene: DNER (delta/notch like EGF repeat containing; minus strand). Cytogenetic location: 2q36.3.
Variant type: single nucleotide variant.
Coding change: c.435C>T on transcript NM_139072.4 (MANE Select); coding-DNA position 435, C replaced by T.
Protein change: p.Thr145=; no amino-acid change (threonine 145 retained).
Molecular consequence: synonymous variant.
Genome position (GRCh38, 1-based): chr2:229,591,730, G>A on the plus strand (C>T on the coding strand, the complement: DNER is on the minus strand). VCF-style: chr2-229591730-G-A. GRCh37 (hg19) VCF-style: chr2-230456446-G-A.
Identifiers: ClinVar variation 3390333 (VCV003390333.14).